The following is an entry in ClinVar:

ClinVar aggregate classification (germline): Likely benign (1 of 4 stars; one submission).

Conditions:
Long QT syndrome (LQTS). Identifiers: MedGen C0023976, MeSH D008133, MONDO:0002442. Disease mechanism: loss of function. Inheritance: Various modes of inheritance.

Submissions (2):

Labcorp Genetics (formerly Invitae), Labcorp
Classification: Likely benign for Long QT syndrome. Last evaluated: 2016-03-02. Review status: criteria provided, single submitter. Criteria: Invitae Variant Classification Sherloc (09022015). Collection method: clinical testing. Allele origin: germline.

Roden Lab, Vanderbilt University Medical Center
No classification provided (evidence only). Condition: Long QT syndrome 5. Review status: no classification provided. Collection method: in vitro. Allele origin: not applicable. Functional consequence: Effect on ion channel function. Not counted in ClinVar's aggregate classification.
ClinVar note: "not provided" was previously submitted as the classification for the variant. However, the classification appeared to be based only on an observation of functional data so it was converted to no classification on 2025-07-30.

NM_000219.6(KCNE1):c.175C>T (p.Leu59=)

Gene: KCNE1 (potassium voltage-gated channel subfamily E regulatory subunit 1; minus strand). Cytogenetic location: 21q22.12.
Variant type: single nucleotide variant.
Coding change: c.175C>T on transcript NM_000219.6 (MANE Select); coding-DNA position 175, C replaced by T.
Protein change: p.Leu59=; no amino-acid change (leucine 59 retained).
Molecular consequence: synonymous variant.
Genome position (GRCh38, 1-based): chr21:34,449,460, G>A on the plus strand (C>T on the coding strand, the complement: KCNE1 is on the minus strand). VCF-style: chr21-34449460-G-A. GRCh37 (hg19) VCF-style: chr21-35821758-G-A.
Other names: c.175C>T, p.Leu59= (NM_001127668.4, NM_001127669.4, NM_001127670.4 and 4 more transcripts).
Identifiers: ClinVar variation 237230 (VCV000237230.13), dbSNP rs754731040, ClinGen allele CA10583882.